The following is an entry in ClinVar:

NM_133261.3(GIPC3):c.721G>C (p.Glu241Gln)

Gene: GIPC3 (GIPC PDZ domain containing family member 3; plus strand). Cytogenetic location: 19p13.3.
Variant type: single nucleotide variant.
Coding change: c.721G>C on transcript NM_133261.3 (MANE Select); coding-DNA position 721, G replaced by C.
Protein change: p.Glu241Gln; replaces glutamic acid 241 with glutamine.
Molecular consequence: missense variant.
Genome position (GRCh38, 1-based): chr19:3,589,846, G>C. VCF-style: chr19-3589846-G-C. GRCh37 (hg19) VCF-style: chr19-3589844-G-C.
Other names: c.721G>C, p.Glu241Gln (NM_001411144.1); short protein forms E241Q.
Identifiers: ClinVar variation 3257409 (VCV003257409.17).

ClinVar aggregate classification (germline): Uncertain significance (1 of 4 stars; one submission).

gnomAD v4.1: 10 of 1,613,736 alleles (0.00062%); highest among the groups gnomAD compares: Non-Finnish European, 0.00085%; no homozygotes.

Submission:

CeGaT Center for Human Genetics Tuebingen
Classification: Uncertain significance. Last evaluated: 2024-07-01. Review status: criteria provided, single submitter. Criteria: CeGaT Center For Human Genetics Tuebingen Variant Classification Criteria Version 2. Collection method: clinical testing. Allele origin: germline. Affected: yes. Observed: 1 variant allele.
Comment: GIPC3: PM2, BP4